The following is an entry in ClinVar:

NM_001267550.2(TTN):c.11311+3754A>T

Gene: TTN (titin; minus strand). Cytogenetic location: 2q31.2.
Variant type: single nucleotide variant.
Coding change: c.11311+3754A>T on transcript NM_001267550.2 (MANE Select); 3754 bases into the intron after coding-DNA position 11311, A replaced by T.
Molecular consequence: intron variant. On other transcripts: missense variant (1).
Genome position (GRCh38, 1-based): chr2:178,749,370, T>A on the plus strand (A>T on the coding strand, the complement: TTN is on the minus strand). VCF-style: chr2-178749370-T-A. GRCh37 (hg19) VCF-style: chr2-179614097-T-A.
Other names: c.13030A>T, p.Ile4344Leu (NM_133379.5); c.10222+3754A>T (NM_003319.4); c.10798+3754A>T (NM_133437.4); c.10597+3754A>T (NM_133432.3); c.10360+3754A>T (NM_133378.4, NM_001256850.1); short protein forms I4344L.
Identifiers: ClinVar variation 5000082 (VCV005000082.1).

ClinVar aggregate classification (germline): Uncertain significance (1 of 4 stars; one submission).

Conditions:
TTN-related disorder. Also called: TTN-related disorders; TTN-related condition; TTN-related disease.

Submission:

PreventionGenetics, part of Exact Sciences
Classification: Uncertain significance for TTN-related condition. Last evaluated: 2025-10-26. Review status: criteria provided, single submitter. Criteria: ACMG Guidelines, 2015. Collection method: clinical testing. Allele origin: germline.
Comment: The TTN c.11311+3754A>T variant is predicted to interfere with splicing. This variant is also referred to as c.13030A>T (p.Ile4344Leu) in the Novex-3 transcript NM_133379. This variant is located in exon 46 of the Novex-3 transcript (minor small cardiac isoform) which is the last exon of this transcript. This exon is not included in any other TTN transcripts (principle cardiac or skeletal muscle isoforms). To our knowledge, this variant has not been reported in the literature or in a large population database (gnomAD), indicating this variant is rare. At this time, the clinical significance of this variant is uncertain due to the absence of conclusive functional and genetic evidence.